The following is an entry in ClinVar:

NM_001365999.1(SZT2):c.8696C>T (p.Ser2899Leu)

Gene: SZT2 (SZT2 subunit of KICSTOR complex; plus strand). Cytogenetic location: 1p34.2.
Variant type: single nucleotide variant.
Coding change: c.8696C>T on transcript NM_001365999.1 (MANE Select); coding-DNA position 8696, C replaced by T.
Protein change: p.Ser2899Leu; replaces serine 2899 with leucine.
Molecular consequence: missense variant.
Genome position (GRCh38, 1-based): chr1:43,443,667, C>T. VCF-style: chr1-43443667-C-T. GRCh37 (hg19) VCF-style: chr1-43909338-C-T.
Other names: c.8525C>T, p.Ser2842Leu (NM_015284.4); short protein forms S2899L, S2842L.
Identifiers: ClinVar variation 949383 (VCV000949383.7), dbSNP rs200453852, ClinGen allele CA810653.

ClinVar aggregate classification (germline): Uncertain significance (1 of 4 stars; one submission).

Allele frequency attached by ClinVar (database versions not stated): TOPMed below 0.00001; gnomAD 0.00001; gnomAD exomes 0.00001 and 0.00002; ExAC 0.00002.

Submission:

Labcorp Genetics (formerly Invitae), Labcorp
Classification: Uncertain significance. Last evaluated: 2022-08-03. Review status: criteria provided, single submitter. Criteria: Invitae Variant Classification Sherloc (09022015). Collection method: clinical testing. Allele origin: germline.
Comment: This sequence change replaces serine, which is neutral and polar, with leucine, which is neutral and non-polar, at codon 2842 of the SZT2 protein (p.Ser2842Leu). This variant is present in population databases (rs200453852, gnomAD 0.003%). This variant has not been reported in the literature in individuals affected with SZT2-related conditions. ClinVar contains an entry for this variant (Variation ID: 949383). Algorithms developed to predict the effect of missense changes on protein structure and function (SIFT, PolyPhen-2, Align-GVGD) all suggest that this variant is likely to be tolerated. In summary, the available evidence is currently insufficient to determine the role of this variant in disease. Therefore, it has been classified as a Variant of Uncertain Significance.